The following is an entry in ClinVar:

NM_018192.4(P3H2):c.1169G>A (p.Gly390Glu)

Gene: P3H2 (prolyl 3-hydroxylase 2; minus strand). Cytogenetic location: 3q28.
Variant type: single nucleotide variant.
Coding change: c.1169G>A on transcript NM_018192.4 (MANE Select); coding-DNA position 1169, G replaced by A.
Protein change: p.Gly390Glu; replaces glycine 390 with glutamic acid.
Molecular consequence: missense variant.
Genome position (GRCh38, 1-based): chr3:189,986,807, C>T on the plus strand (G>A on the coding strand, the complement: P3H2 is on the minus strand). VCF-style: chr3-189986807-C-T. GRCh37 (hg19) VCF-style: chr3-189704596-C-T.
Other names: c.626G>A, p.Gly209Glu (NM_001134418.2); short protein forms G390E, G209E.
Identifiers: ClinVar variation 833785 (VCV000833785.11), dbSNP rs35904452, ClinGen allele CA2753063.

ClinVar aggregate classification (germline): Benign/Likely benign. Review status: criteria provided, multiple submitters, no conflicts (2 of 4 stars). 3 submissions from 3 submitters: Benign (1); Likely benign (1). 1 of the submissions does not count toward it. Last evaluated 2026-01-27.

Conditions:
P3H2-related disorder. Also called: P3H2-related condition.

Allele frequency attached by ClinVar (database versions not stated): gnomAD 0.00038 and 0.00040; TOPMed 0.00046; ExAC 0.00055; ESP Exome Variant Server 0.00062; gnomAD exomes 0.00073.
gnomAD v4.1: 568 of 1,610,666 alleles (0.035%); highest among the groups gnomAD compares: Middle Eastern, 0.016%; 6 homozygotes.

Submissions (3):

Labcorp Genetics (formerly Invitae), Labcorp
Classification: Benign. Last evaluated: 2026-01-27. Review status: criteria provided, single submitter. Criteria: Invitae Variant Classification Sherloc (09022015). Collection method: clinical testing. Allele origin: germline.

Blueprint Genetics
Classification: Likely benign. Last evaluated: 2024-08-30. Review status: criteria provided, single submitter. Criteria: ACMG Guidelines, 2015. Collection method: clinical testing. Allele origin: germline.

PreventionGenetics, part of Exact Sciences
Classification: Benign for P3H2-related condition. Last evaluated: 2019-05-20. Review status: no assertion criteria provided. Collection method: clinical testing. Allele origin: germline. Not counted in ClinVar's aggregate classification.
Comment: This variant is classified as benign based on ACMG/AMP sequence variant interpretation guidelines (Richards et al. 2015 PMID: 25741868, with internal and published modifications).